The following is an entry in ClinVar:

ClinVar aggregate classification (germline): Uncertain significance (1 of 4 stars; one submission).

Conditions:
Cardiovascular phenotype. Identifiers: MedGen CN230736.

gnomAD v4.1: 1 of 1,549,778 alleles (0.000065%); highest among the groups gnomAD compares: African/African-American, 0.0014%; no homozygotes.

Submission:

Ambry Genetics
Classification: Uncertain significance for Cardiovascular phenotype. Last evaluated: 2021-10-11. Review status: criteria provided, single submitter. Criteria: Ambry Variant Classification Scheme 2023. Collection method: clinical testing. Allele origin: germline.
Comment: The p.R2666G variant (also known as c.7996C>G), located in coding exon 2 of the ZNF469 gene, results from a C to G substitution at nucleotide position 7996. The arginine at codon 2666 is replaced by glycine, an amino acid with dissimilar properties. This amino acid position is conserved. In addition, this alteration is predicted to be tolerated by in silico analysis. Since supporting evidence is limited at this time, the clinical significance of this alteration remains unclear.

NM_001367624.2(ZNF469):c.8080C>G (p.Arg2694Gly)

Gene: ZNF469 (zinc finger protein 469; plus strand). Cytogenetic location: 16q24.2.
Variant type: single nucleotide variant.
Coding change: c.8080C>G on transcript NM_001367624.2 (MANE Select); coding-DNA position 8080, C replaced by G.
Protein change: p.Arg2694Gly; replaces arginine 2694 with glycine.
Molecular consequence: missense variant.
Genome position (GRCh38, 1-based): chr16:88,435,550, C>G. VCF-style: chr16-88435550-C-G. GRCh37 (hg19) VCF-style: chr16-88501958-C-G.
Other names: NM_001127464.1:c.7996C>G; short protein forms R2694G.
Identifiers: ClinVar variation 1761526 (VCV001761526.2), dbSNP rs540443650, ClinGen allele CA397115860.